The following is an entry in ClinVar:

ClinVar aggregate classification (germline): Uncertain significance (1 of 4 stars; one submission).

Conditions:
Immunodeficiency. Identifiers: MedGen C0021051, MONDO:0021094, HP:0002721.

Allele frequency attached by ClinVar (database versions not stated): gnomAD 0.00001; gnomAD exomes 0.00001; TOPMed 0.00001; 1000 Genomes Project 30x 0.00031.
gnomAD v4.1: 19 of 1,614,186 alleles (0.0012%); highest among the groups gnomAD compares: Non-Finnish European, 0.0015%; no homozygotes.

Submission:

Labcorp Genetics (formerly Invitae), Labcorp
Classification: Uncertain significance for Immunodeficiency. Last evaluated: 2024-08-20. Review status: criteria provided, single submitter. Criteria: Invitae Variant Classification Sherloc (09022015). Collection method: clinical testing. Allele origin: germline.
Comment: This sequence change replaces proline, which is neutral and non-polar, with arginine, which is basic and polar, at codon 1321 of the NFAT5 protein (p.Pro1321Arg). This variant is not present in population databases (gnomAD no frequency). This variant has not been reported in the literature in individuals affected with NFAT5-related conditions. ClinVar contains an entry for this variant (Variation ID: 1035396). An algorithm developed to predict the effect of missense changes on protein structure and function (PolyPhen-2) suggests that this variant is likely to be tolerated. In summary, the available evidence is currently insufficient to determine the role of this variant in disease. Therefore, it has been classified as a Variant of Uncertain Significance.

NM_138713.4(NFAT5):c.4244C>G (p.Pro1415Arg)

Gene: NFAT5 (nuclear factor of activated T cells 5; plus strand). Cytogenetic location: 16q22.1.
Variant type: single nucleotide variant.
Coding change: c.4244C>G on transcript NM_138713.4 (MANE Select); coding-DNA position 4244, C replaced by G.
Protein change: p.Pro1415Arg; replaces proline 1415 with arginine.
Molecular consequence: missense variant.
Genome position (GRCh38, 1-based): chr16:69,694,069, C>G. VCF-style: chr16-69694069-C-G. GRCh37 (hg19) VCF-style: chr16-69727972-C-G.
Other names: c.4241C>G, p.Pro1414Arg (NM_001113178.3); c.3569C>G, p.Pro1190Arg (NM_001367709.1); c.4190C>G, p.Pro1397Arg (NM_006599.4); c.3962C>G, p.Pro1321Arg (NM_138714.4, NM_173214.3, NM_173215.3); short protein forms P1397R, P1414R, P1190R, P1321R, P1415R.
Identifiers: ClinVar variation 1035396 (VCV001035396.9), dbSNP rs1225190008, ClinGen allele CA396515357.